The following is an entry in ClinVar:

ClinVar aggregate classification (germline): Likely benign. Review status: criteria provided, multiple submitters, no conflicts (2 of 4 stars). 4 submissions from 4 submitters: Likely benign (3). 1 of the submissions does not count toward it. Last evaluated 2024-09-17.

Conditions:
FANCC-related disorder. Also called: FANCC-related condition.
Hereditary cancer-predisposing syndrome. Also called: Hereditary Cancer Syndrome; Hereditary neoplastic syndrome; Neoplastic Syndromes, Hereditary; Tumor predisposition. Identifiers: Orphanet 140162, MedGen C0027672, MeSH D009386, MONDO:0015356.
Fanconi anemia (FA). Also called: Fanconi's anemia. Identifiers: Orphanet 84, MedGen C0015625, MeSH D005199, MONDO:0019391.

Allele frequency attached by ClinVar (database versions not stated): gnomAD exomes below 0.00001.
gnomAD v4.1: 2 of 1,614,080 alleles (0.00012%); highest among the groups gnomAD compares: Admixed American, 0.0033%; no homozygotes.

Submissions (4):

Labcorp Genetics (formerly Invitae), Labcorp
Classification: Likely benign for Fanconi anemia. Last evaluated: 2024-09-17. Review status: criteria provided, single submitter. Criteria: Invitae Variant Classification Sherloc (09022015). Collection method: clinical testing. Allele origin: germline.

Ambry Genetics
Classification: Likely benign for Hereditary cancer-predisposing syndrome. Last evaluated: 2017-09-13. Review status: criteria provided, single submitter. Criteria: Ambry Variant Classification Scheme 2023. Collection method: clinical testing. Allele origin: germline.

GeneDx
Classification: Likely benign. Last evaluated: 2016-02-29. Review status: criteria provided, single submitter. Criteria: GeneDx Variant Classification (06012015). Collection method: clinical testing. Allele origin: germline. Affected: yes.
Comment: This variant is considered likely benign or benign based on one or more of the following criteria: it is a conservative change, it occurs at a poorly conserved position in the protein, it is predicted to be benign by multiple in silico algorithms, and/or has population frequency not consistent with disease.

PreventionGenetics, part of Exact Sciences
Classification: Likely benign for FANCC-related condition. Last evaluated: 2021-10-20. Review status: no assertion criteria provided. Collection method: clinical testing. Allele origin: germline. Not counted in ClinVar's aggregate classification.
Comment: This variant is classified as likely benign based on ACMG/AMP sequence variant interpretation guidelines (Richards et al. 2015 PMID: 25741868, with internal and published modifications).

NM_000136.3(FANCC):c.549G>T (p.Leu183=)

Genes: FANCC (FA complementation group C; minus strand), AOPEP (aminopeptidase O (putative); plus strand). Cytogenetic location: 9q22.32.
Variant type: single nucleotide variant.
Coding change: c.549G>T on transcript NM_000136.3 (MANE Select); coding-DNA position 549, G replaced by T.
Protein change: p.Leu183=; no amino-acid change (leucine 183 retained).
Molecular consequence: synonymous variant.
Genome position (GRCh38, 1-based): chr9:95,150,060, C>A on the plus strand (G>T on the coding strand, the complement: FANCC is on the minus strand). VCF-style: chr9-95150060-C-A. GRCh37 (hg19) VCF-style: chr9-97912342-C-A.
Other names: c.549G>T, p.Leu183= (NM_001243743.2, NM_001243744.2).
Identifiers: ClinVar variation 216288 (VCV000216288.16), dbSNP rs863224611, ClinGen allele CA337930.
Genomic context (GRCh38, chr9:95,150,060, plus strand): 5'-GAGAGCCTCCACCAGGGGGTCAACATCTGTCAGGGTAATAAGTGGGACACAAACTCGTGA[C>A]AGGGACGCCACTCGCTCGGGAGCCATTCTATGGAAGAAATAAGAAATAATCACTCAAATC-3'
Protein context (NP_000127.2, residues 173-193): RRMAPERVAS[Leu183=]SRVCVPLITL